The following is an entry in ClinVar:

ClinVar aggregate classification (germline): Pathogenic (0 of 4 stars; one submission).

Conditions:
Marfan syndrome (MFS). Also called: MARFAN SYNDROME, TYPE I; FBN1-Related Marfan Syndrome; Marfan syndrome type 1; Marfan's syndrome; Marfan syndrome, classic. Identifiers: Orphanet 284963, Orphanet 558, MedGen C0024796, MONDO:0007947, OMIM 154700.

Submission:

Institute of Human Genetics, Cologne University
Classification: Pathogenic for Marfan syndrome. Review status: no assertion criteria provided. Collection method: clinical testing. Allele origin: germline. Inheritance: Autosomal dominant inheritance. Affected: yes.
Comment: PVS1, PM2, PP4

NM_000138.5(FBN1):c.4319del (p.Asp1440fs)

Genes: FBN1 (fibrillin 1; minus strand), LOC126862124 (CDK7 strongly-dependent group 2 enhancer GRCh37_chr15:48764566-48765765; plus strand). Cytogenetic location: 15q21.1.
Variant type: Deletion.
Coding change: c.4319del on transcript NM_000138.5 (MANE Select); coding-DNA position 4319, one base deleted (A; older notation c.4319delA).
Protein change: p.Asp1440fs; shifts the reading frame from aspartic acid 1440.
Molecular consequence: frameshift variant.
Genome position (GRCh38, 1-based): chr15:48,472,568, T deleted on the plus strand (A on the coding strand, the reverse complement: FBN1 is on the minus strand). VCF-style (leftmost placement, unchanged base first): chr15-48472567-GT-G. GRCh37 (hg19) VCF-style: chr15-48764764-GT-G.
Other names: c.4319delA (NM_000138.4); short protein forms D1440fs.
Identifiers: ClinVar variation 691636 (VCV000691636.2), dbSNP rs1597552388, ClinGen allele CA915945998.
Genomic context (GRCh38, chr15:48,472,567, plus strand): 5'-TCATCAAGCCCAGCAAGGCTCCCAGTGGCTTCCCCATCAGTTACCTTCACAGGCTTTCCC[GT>G]CAGCACTGGGCACGAAGCCCATGTCGCATTCACAGCGGTATCCTCCTGGTGCATTGAGGC-3'